The following is an entry in ClinVar:

ClinVar aggregate classification (germline): Uncertain significance (1 of 4 stars; one submission).

gnomAD v4.1: 4 of 1,613,786 alleles (0.00025%); highest among the groups gnomAD compares: Admixed American, 0.0033%; no homozygotes.

Submission:

Labcorp Genetics (formerly Invitae), Labcorp
Classification: Uncertain significance. Last evaluated: 2024-10-03. Review status: criteria provided, single submitter. Criteria: Invitae Variant Classification Sherloc (09022015). Collection method: clinical testing. Allele origin: germline.
Comment: This sequence change replaces threonine, which is neutral and polar, with isoleucine, which is neutral and non-polar, at codon 54 of the ZNF687 protein (p.Thr54Ile). The frequency data for this variant in the population databases is considered unreliable, as metrics indicate poor data quality at this position in the gnomAD database. This variant has not been reported in the literature in individuals affected with ZNF687-related conditions. An algorithm developed to predict the effect of missense changes on protein structure and function (PolyPhen-2) suggests that this variant is likely to be tolerated. In summary, the available evidence is currently insufficient to determine the role of this variant in disease. Therefore, it has been classified as a Variant of Uncertain Significance.

NM_020832.3(ZNF687):c.161C>T (p.Thr54Ile)

Gene: ZNF687 (zinc finger protein 687; plus strand). Cytogenetic location: 1q21.3.
Variant type: single nucleotide variant.
Coding change: c.161C>T on transcript NM_020832.3 (MANE Select); coding-DNA position 161, C replaced by T.
Protein change: p.Thr54Ile; replaces threonine 54 with isoleucine.
Molecular consequence: missense variant.
Genome position (GRCh38, 1-based): chr1:151,286,452, C>T. VCF-style: chr1-151286452-C-T. GRCh37 (hg19) VCF-style: chr1-151258928-C-T.
Other names: c.161C>T, p.Thr54Ile (NM_001304763.2, NM_001304764.2); short protein forms T54I.
Identifiers: ClinVar variation 3708317 (VCV003708317.2).